The following is an entry in ClinVar:

ClinVar aggregate classification (germline): Uncertain significance (1 of 4 stars; one submission).

Submission:

Labcorp Genetics (formerly Invitae), Labcorp
Classification: Uncertain significance. Last evaluated: 2023-05-03. Review status: criteria provided, single submitter. Criteria: Invitae Variant Classification Sherloc (09022015). Collection method: clinical testing. Allele origin: germline.
Comment: This missense change has been observed in individual(s) with familial exudative vitreoretinopathy (PMID: 21097938). This sequence change replaces cysteine, which is neutral and slightly polar, with glycine, which is neutral and non-polar, at codon 106 of the FZD4 protein (p.Cys106Gly). This variant is not present in population databases (gnomAD no frequency). Advanced modeling of protein sequence and biophysical properties (such as structural, functional, and spatial information, amino acid conservation, physicochemical variation, residue mobility, and thermodynamic stability) has been performed at Invitae for this missense variant, however the output from this modeling did not meet the statistical confidence thresholds required to predict the impact of this variant on FZD4 protein function. Algorithms developed to predict the effect of sequence changes on RNA splicing suggest that this variant may disrupt the consensus splice site. This variant disrupts the p.Cys106 amino acid residue in FZD4. Other variant(s) that disrupt this residue have been determined to be pathogenic (PMID: 31106028). This suggests that this residue is clinically significant, and that variants that disrupt this residue are likely to be disease-causing. In summary, the available evidence is currently insufficient to determine the role of this variant in disease. Therefore, it has been classified as a Variant of Uncertain Significance.

Literature cited by the submitters: PubMed 21097938; PubMed 31106028.

NM_012193.4(FZD4):c.316T>G (p.Cys106Gly)

Genes: PRSS23 (serine protease 23; plus strand), FZD4 (frizzled class receptor 4; minus strand). Cytogenetic location: 11q14.2.
Variant type: single nucleotide variant.
Coding change: c.316T>G on transcript NM_012193.4 (MANE Select); coding-DNA position 316, T replaced by G.
Protein change: p.Cys106Gly; replaces cysteine 106 with glycine.
Molecular consequence: missense variant. On other transcripts: non-coding transcript variant (2).
Genome position (GRCh38, 1-based): chr11:86,952,440, A>C on the plus strand (T>G on the coding strand, the complement: FZD4 is on the minus strand). VCF-style: chr11-86952440-A-C. GRCh37 (hg19) VCF-style: chr11-86663482-A-C.
Other names: short protein forms C106G.
Identifiers: ClinVar variation 2735716 (VCV002735716.3), dbSNP rs2495869206, ClinGen allele CA382017368.